The following is an entry in ClinVar:

ClinVar aggregate classification (germline): Likely benign. Review status: criteria provided, multiple submitters, no conflicts (2 of 4 stars). 2 submissions from 2 submitters: Likely benign (2). Last evaluated 2022-12-01.

Allele frequency attached by ClinVar (database versions not stated): ESP Exome Variant Server 0.00031; gnomAD 0.00039; TOPMed 0.00066; 1000 Genomes Project 0.00080; 1000 Genomes Project 30x 0.00125.

Submissions (2):

CeGaT Center for Human Genetics Tuebingen
Classification: Likely benign. Last evaluated: 2022-12-01. Review status: criteria provided, single submitter. Criteria: CeGaT Center For Human Genetics Tuebingen Variant Classification Criteria Version 2. Collection method: clinical testing. Allele origin: germline. Affected: yes. Observed: 1 variant allele.
Comment: ZNF229: BP4

Breakthrough Genomics
Classification: Likely benign. Review status: criteria provided, single submitter. Criteria: ACMG Guidelines, 2015. Collection method: not provided. Allele origin: germline. Inheritance: Unknown mechanism. Affected: yes.

NM_014518.4(ZNF229):c.1744C>T (p.Arg582Trp)

Gene: ZNF229 (zinc finger protein 229; minus strand). Cytogenetic location: 19q13.31.
Variant type: single nucleotide variant.
Coding change: c.1744C>T on transcript NM_014518.4 (MANE Select); coding-DNA position 1744, C replaced by T.
Protein change: p.Arg582Trp; replaces arginine 582 with tryptophan.
Molecular consequence: missense variant. On other transcripts: non-coding transcript variant (1).
Genome position (GRCh38, 1-based): chr19:44,429,037, G>A on the plus strand (C>T on the coding strand, the complement: ZNF229 is on the minus strand). VCF-style: chr19-44429037-G-A. GRCh37 (hg19) VCF-style: chr19-44933212-G-A.
Other names: c.1726C>T, p.Arg576Trp (NM_001278510.3); short protein forms R576W, R582W.
Identifiers: ClinVar variation 2650081 (VCV002650081.25), dbSNP rs183052577, ClinGen allele CA9500524.